The following is an entry in ClinVar:

NM_152618.3(BBS12):c.1349G>A (p.Gly450Glu)

Gene: BBS12 (Bardet-Biedl syndrome 12; plus strand). Cytogenetic location: 4q27.
Variant type: single nucleotide variant.
Coding change: c.1349G>A on transcript NM_152618.3 (MANE Select); coding-DNA position 1349, G replaced by A.
Protein change: p.Gly450Glu; replaces glycine 450 with glutamic acid.
Molecular consequence: missense variant.
Genome position (GRCh38, 1-based): chr4:122,743,241, G>A. VCF-style: chr4-122743241-G-A. GRCh37 (hg19) VCF-style: chr4-123664396-G-A.
Other names: c.1349G>A, p.Gly450Glu (NM_001178007.2); short protein forms G450E.
Identifiers: ClinVar variation 3348660 (VCV003348660.1).
Genomic context (GRCh38, chr4:122,743,241, plus strand): 5'-AGCGGTTGGTAATCGGCTCAGTGAATGGCAGTGTGATGCAGGCTTTTGCAGAGGCTGCAG[G>A]AGCAGTACAGGTGGCCTACATTACACAAGTGAATGAAGATTGTGTGGGCGACGGGGTCTG-3'
Protein context (NP_689831.2, residues 440-460): SVMQAFAEAA[Gly450Glu]AVQVAYITQV

ClinVar aggregate classification (germline): Uncertain significance (0 of 4 stars; one submission).

Conditions:
BBS12-related disorder. Also called: BBS12-related condition.

gnomAD v4.1: 5 of 1,614,218 alleles (0.00031%); highest among the groups gnomAD compares: Non-Finnish European, 0.00042%; no homozygotes.

Submission:

PreventionGenetics, part of Exact Sciences
Classification: Uncertain significance for BBS12-related condition. Last evaluated: 2023-11-01. Review status: no assertion criteria provided. Collection method: clinical testing. Allele origin: germline.
Comment: The BBS12 c.1349G>A variant is predicted to result in the amino acid substitution p.Gly450Glu. To our knowledge, this variant has not been reported in the literature. This variant is reported in 0.0040% of alleles in individuals of African descent in gnomAD. At this time, the clinical significance of this variant is uncertain due to the absence of conclusive functional and genetic evidence.